The following is an entry in ClinVar:

ClinVar aggregate classification (germline): Benign/Likely benign. Review status: criteria provided, multiple submitters, no conflicts (2 of 4 stars). 3 submissions from 3 submitters: Benign (1); Likely benign (2). Last evaluated 2026-07-01.

Conditions:
3MC syndrome 1. Also called: CRANIOSYNOSTOSIS WITH LID ANOMALIES; OCULOPALATOSKELETAL SYNDROME; MICHELS SYNDROME. Identifiers: Orphanet 293843, MedGen C0796059, MONDO:0009770, OMIM 257920.

Allele frequency attached by ClinVar (database versions not stated): ESP Exome Variant Server 0.00015; ExAC 0.00019; 1000 Genomes Project 0.00020; gnomAD 0.00021; gnomAD exomes 0.00024; 1000 Genomes Project 30x 0.00031; TOPMed 0.00034.
gnomAD v4.1: 413 of 1,614,110 alleles (0.026%); highest among the groups gnomAD compares: Middle Eastern, 0.66%; 1 homozygote.

Submissions (3):

CeGaT Center for Human Genetics Tuebingen
Classification: Likely benign. Last evaluated: 2026-07-01. Review status: criteria provided, single submitter. Criteria: CeGaT Center For Human Genetics Tuebingen Variant Classification Criteria Version 2. Collection method: clinical testing. Allele origin: germline. Affected: yes. Observed: 6 variant alleles.
Comment: MASP1: BP4, BP7

Labcorp Genetics (formerly Invitae), Labcorp
Classification: Benign for 3MC syndrome 1. Last evaluated: 2025-04-14. Review status: criteria provided, single submitter. Criteria: Invitae Variant Classification Sherloc (09022015). Collection method: clinical testing. Allele origin: germline.

Blueprint Genetics
Classification: Likely benign. Last evaluated: 2024-10-07. Review status: criteria provided, single submitter. Criteria: ACMG Guidelines, 2015. Collection method: clinical testing. Allele origin: germline.

NM_139125.4(MASP1):c.1155C>T (p.Asn385=)

Gene: MASP1 (MBL associated serine protease 1; minus strand). Cytogenetic location: 3q27.3.
Variant type: single nucleotide variant.
Coding change: c.1155C>T on transcript NM_139125.4 (MANE Select); coding-DNA position 1155, C replaced by T.
Protein change: p.Asn385=; no amino-acid change (asparagine 385 retained).
Molecular consequence: synonymous variant. On other transcripts: non-coding transcript variant (1).
Genome position (GRCh38, 1-based): chr3:187,243,557, G>A on the plus strand (C>T on the coding strand, the complement: MASP1 is on the minus strand). VCF-style: chr3-187243557-G-A. GRCh37 (hg19) VCF-style: chr3-186961345-G-A.
Other names: c.1155C>T, p.Asn385= (NM_001879.6).
Identifiers: ClinVar variation 2654347 (VCV002654347.28), dbSNP rs183144579, ClinGen allele CA2749341.
Genomic context (GRCh38, chr3:187,243,557, plus strand): 5'-GAGCATCTTGTAATAGGGCTCCTGACAGGAGTATTTGATCTCAGACTTGTATGTGGTGAG[G>A]TTGTTCCTTGTAGAGAAGGTGATCAGCCCGTGTTCCAGCTCTCCTGGGGCTCTACAGTCT-3'
Protein context (NP_624302.1, residues 375-395): HGLITFSTRN[Asn385=]LTTYKSEIKY